The following is an entry in ClinVar:

NM_017636.4(TRPM4):c.2675G>A (p.Arg892His)

Gene: TRPM4 (transient receptor potential cation channel subfamily M member 4; plus strand). Cytogenetic location: 19q13.33.
Variant type: single nucleotide variant.
Coding change: c.2675G>A on transcript NM_017636.4 (MANE Select); coding-DNA position 2675, G replaced by A.
Protein change: p.Arg892His; replaces arginine 892 with histidine.
Molecular consequence: missense variant.
Genome position (GRCh38, 1-based): chr19:49,200,329, G>A. VCF-style: chr19-49200329-G-A. GRCh37 (hg19) VCF-style: chr19-49703586-G-A.
Other names: c.2675G>A (NM_017636.3); c.2240G>A, p.Arg747His (NM_001195227.2); c.2330G>A, p.Arg777His (NM_001321281.2); c.1067G>A, p.Arg356His (NM_001321282.2); c.2153G>A, p.Arg718His (NM_001321283.2); c.1613G>A, p.Arg538His (NM_001321285.2); short protein forms R356H, R718H, R747H, R777H, R538H, R892H.
Identifiers: ClinVar variation 2193809 (VCV002193809.5), dbSNP rs866510018, ClinGen allele CA309457839.

ClinVar aggregate classification (germline): Uncertain significance. Review status: criteria provided, multiple submitters, no conflicts (2 of 4 stars). 2 submissions from 2 submitters: Uncertain significance (2). Last evaluated 2024-12-10.

Conditions:
Cardiovascular phenotype. Identifiers: MedGen CN230736.
Progressive familial heart block type IB (PFHB1B). Identifiers: Orphanet 871, MedGen C1970298, MONDO:0011474, OMIM 604559.

Allele frequency attached by ClinVar (database versions not stated): TOPMed below 0.00001; gnomAD 0.00003.
gnomAD v4.1: 7 of 1,614,014 alleles (0.00043%); highest among the groups gnomAD compares: Middle Eastern, 0.049%; no homozygotes.

Submissions (2):

Labcorp Genetics (formerly Invitae), Labcorp
Classification: Uncertain significance for Progressive familial heart block type IB. Last evaluated: 2024-12-10. Review status: criteria provided, single submitter. Criteria: Invitae Variant Classification Sherloc (09022015). Collection method: clinical testing. Allele origin: germline.
Comment: This sequence change replaces arginine, which is basic and polar, with histidine, which is basic and polar, at codon 892 of the TRPM4 protein (p.Arg892His). This variant is present in population databases (no rsID available, gnomAD 0.03%). This missense change has been observed in individual(s) with TRPM4-related conditions (PMID: 26820365). ClinVar contains an entry for this variant (Variation ID: 2193809). An algorithm developed to predict the effect of missense changes on protein structure and function outputs the following: PolyPhen-2: "Benign". The histidine amino acid residue is found in multiple mammalian species, which suggests that this missense change does not adversely affect protein function. In summary, the available evidence is currently insufficient to determine the role of this variant in disease. Therefore, it has been classified as a Variant of Uncertain Significance.

Ambry Genetics
Classification: Uncertain significance for Cardiovascular phenotype. Last evaluated: 2024-11-01. Review status: criteria provided, single submitter. Criteria: Ambry Variant Classification Scheme 2023. Collection method: clinical testing. Allele origin: germline.
Comment: The p.R892H variant (also known as c.2675G>A), located in coding exon 18 of the TRPM4 gene, results from a G to A substitution at nucleotide position 2675. The arginine at codon 892 is replaced by histidine, an amino acid with highly similar properties. This variant was reported in an individual with features consistent with cardiac conduction defect (Daumy X et al. Int J Cardiol, 2016 Mar;207:349-58). This amino acid position is highly conserved in available vertebrate species. In addition, this alteration is predicted to be deleterious by in silico analysis. Based on the available evidence, the clinical significance of this variant remains unclear.

Literature cited by the submitters: PubMed 26820365 (cited by Labcorp Genetics (formerly Invitae), Labcorp and Ambry Genetics).